The following is an entry in ClinVar:

NM_001330700.2(TOP2B):c.197T>G (p.Leu66Arg)

Gene: TOP2B (DNA topoisomerase II beta; minus strand). Cytogenetic location: 3p24.2.
Variant type: single nucleotide variant.
Coding change: c.197T>G on transcript NM_001330700.2 (MANE Select); coding-DNA position 197, T replaced by G.
Protein change: p.Leu66Arg; replaces leucine 66 with arginine.
Molecular consequence: missense variant.
Genome position (GRCh38, 1-based): chr3:25,645,343, A>C on the plus strand (T>G on the coding strand, the complement: TOP2B is on the minus strand). VCF-style: chr3-25645343-A-C. GRCh37 (hg19) VCF-style: chr3-25686834-A-C.
Other names: c.182T>G, p.Leu61Arg (NM_001068.3); short protein forms L61R, L66R.
Identifiers: ClinVar variation 3365554 (VCV003365554.1).

ClinVar aggregate classification (germline): Uncertain significance (1 of 4 stars; one submission).

Submission:

GeneDx
Classification: Uncertain significance. Last evaluated: 2024-04-17. Review status: criteria provided, single submitter. Criteria: GeneDx Variant Classification Process June 2021. Collection method: clinical testing. Allele origin: germline. Affected: yes.
Comment: Not observed at significant frequency in large population cohorts (gnomAD); In silico analysis supports that this missense variant has a deleterious effect on protein structure/function; Has not been previously published as pathogenic or benign to our knowledge